The following is an entry in ClinVar:

ClinVar aggregate classification (germline): Likely benign. Review status: criteria provided, multiple submitters, no conflicts (2 of 4 stars). 2 submissions from 2 submitters: Likely benign (2). Last evaluated 2025-12-21.

Conditions:
Developmental and epileptic encephalopathy, 14 (DEE14). Also called: Early infantile epileptic encephalopathy 14. Identifiers: Orphanet 293181, MedGen C3554195, MONDO:0013989, OMIM 614959.
Autosomal dominant nocturnal frontal lobe epilepsy 5. Also called: KCNT1-Related Epilepsy; CILIARY DYSKINESIA, PRIMARY, 28, WITH SITUS INVERSUS; Epilepsy, nocturnal frontal lobe, 5; CILIARY DYSKINESIA, PRIMARY, 28, WITHOUT SITUS INVERSUS. Identifiers: Orphanet 98784, MedGen C3554306, MONDO:0014002, OMIM 615005.

Allele frequency attached by ClinVar (database versions not stated): gnomAD 0.00001; TOPMed 0.00002; ExAC 0.00010.
gnomAD v4.1: 22 of 1,593,014 alleles (0.0014%); highest among the groups gnomAD compares: East Asian, 0.0023%; no homozygotes.

Submissions (2):

Labcorp Genetics (formerly Invitae), Labcorp
Classification: Likely benign for Autosomal dominant nocturnal frontal lobe epilepsy 5; Developmental and epileptic encephalopathy, 14. Last evaluated: 2025-12-21. Review status: criteria provided, single submitter. Criteria: Invitae Variant Classification Sherloc (09022015). Collection method: clinical testing. Allele origin: germline.

Women's Health and Genetics/Laboratory Corporation of America, LabCorp
Classification: Likely benign. Last evaluated: 2024-11-11. Review status: criteria provided, single submitter. Criteria: LabCorp Variant Classification Summary - May 2015. Collection method: clinical testing. Allele origin: germline.
Comment: Variant summary: KCNT1 c.3319C>T (p.Arg1107Cys) results in a non-conservative amino acid change in the encoded protein sequence. Four of five in-silico tools predict a damaging effect of the variant on protein function. The variant allele was found at a frequency of 1.4e-05 in 1593014 control chromosomes. Although this frequency is not significantly higher than estimated for a pathogenic variant in KCNT1 causing Developmental And Epileptic Encephalopathy, 14, these data suggest a benign role of the variant in the context of an autosomal dominant infantile-onset disorder. To our knowledge, no occurrence of c.3319C>T in individuals affected with Developmental And Epileptic Encephalopathy, 14 and no experimental evidence demonstrating its impact on protein function have been reported. ClinVar contains an entry for this variant (Variation ID: 1426542). Based on the evidence outlined above, the variant was classified as likely benign.

NM_020822.3(KCNT1):c.3319C>T (p.Arg1107Cys)

Gene: KCNT1 (potassium sodium-activated channel subfamily T member 1; plus strand). Cytogenetic location: 9q34.3.
Variant type: single nucleotide variant.
Coding change: c.3319C>T on transcript NM_020822.3 (MANE Select); coding-DNA position 3319, C replaced by T.
Protein change: p.Arg1107Cys; replaces arginine 1107 with cysteine.
Molecular consequence: missense variant.
Genome position (GRCh38, 1-based): chr9:135,786,338, C>T. VCF-style: chr9-135786338-C-T. GRCh37 (hg19) VCF-style: chr9-138678184-C-T.
Other names: c.3184C>T, p.Arg1062Cys (NM_001272003.2); short protein forms R1062C, R1107C.
Identifiers: ClinVar variation 1426542 (VCV001426542.9), dbSNP rs750627411, ClinGen allele CA5327782.